The following is an entry in ClinVar:

NM_001080421.3(UNC13A):c.3460G>A (p.Asp1154Asn)

Gene: UNC13A (unc-13 homolog A; minus strand). Cytogenetic location: 19p13.11.
Variant type: single nucleotide variant.
Coding change: c.3460G>A on transcript NM_001080421.3 (MANE Select); coding-DNA position 3460, G replaced by A.
Protein change: p.Asp1154Asn; replaces aspartic acid 1154 with asparagine.
Molecular consequence: missense variant.
Genome position (GRCh38, 1-based): chr19:17,630,719, C>T on the plus strand (G>A on the coding strand, the complement: UNC13A is on the minus strand). VCF-style: chr19-17630719-C-T. GRCh37 (hg19) VCF-style: chr19-17741528-C-T.
Other names: c.3454G>A, p.Asp1152Asn (NM_001387021.1, NM_001387022.1, NM_001387023.1); short protein forms D1152N, D1154N.
Identifiers: ClinVar variation 3060397 (VCV003060397.2), dbSNP rs370800141, ClinGen allele CA9297982.

ClinVar aggregate classification (germline): Uncertain significance (0 of 4 stars; one submission).

Conditions:
UNC13A-related disorder. Also called: UNC13A-related condition.

Allele frequency attached by ClinVar (database versions not stated): ExAC 0.00002; gnomAD 0.00002; TOPMed 0.00002; gnomAD exomes 0.00005; ESP Exome Variant Server 0.00008.
gnomAD v4.1: 78 of 1,613,800 alleles (0.0048%); highest among the groups gnomAD compares: Non-Finnish European, 0.0064%; no homozygotes.

Submission:

PreventionGenetics, part of Exact Sciences
Classification: Uncertain significance for UNC13A-related condition. Last evaluated: 2024-01-24. Review status: no assertion criteria provided. Collection method: clinical testing. Allele origin: germline.
Comment: The UNC13A c.3460G>A variant is predicted to result in the amino acid substitution p.Asp1154Asn. To our knowledge, this variant has not been reported in the literature. This variant is reported in 0.0062% of alleles in individuals of European (Non-Finnish) descent in gnomAD. At this time, the clinical significance of this variant is uncertain due to the absence of conclusive functional and genetic evidence.